The following is an entry in ClinVar:

NM_007294.4(BRCA1):c.4122T>A (p.Ser1374Arg)

Gene: BRCA1 (BRCA1 DNA repair associated; minus strand). Cytogenetic location: 17q21.31.
Variant type: single nucleotide variant.
Coding change: c.4122T>A on transcript NM_007294.4 (MANE Select); coding-DNA position 4122, T replaced by A.
Protein change: p.Ser1374Arg; replaces serine 1374 with arginine.
Molecular consequence: missense variant. On other transcripts: non-coding transcript variant (1).
Genome position (GRCh38, 1-based): chr17:43,091,007, A>T on the plus strand (T>A on the coding strand, the complement: BRCA1 is on the minus strand). VCF-style: chr17-43091007-A-T. GRCh37 (hg19) VCF-style: chr17-41243024-A-T.
Other names: c.4122T>A, p.Ser1374Arg (NM_001407616.1, NM_001407617.1, NM_001407624.1 and 30 more transcripts); c.3789T>A, p.Ser1263Arg (NM_001407953.1, NM_001407957.1, NM_001407946.1 and 6 more transcripts); c.669T>A, p.Ser223Arg (NM_001408468.1, NM_001408470.1, NM_001408462.1 and 3 more transcripts); c.810T>A, p.Ser270Arg (NM_001408473.1, NM_001407972.1, NM_001407984.1 and 13 more transcripts); c.612T>A, p.Ser204Arg (NM_001408474.1, NM_001408476.1); c.603T>A, p.Ser201Arg (NM_001408478.1, NM_001408479.1, NM_001408480.1 and 9 more transcripts); c.813T>A, p.Ser271Arg (NM_001408472.1, NM_001407970.1, NM_001407971.1 and 18 more transcripts); c.672T>A, p.Ser224Arg (NM_001408469.1, NM_001408410.1, NM_001408452.1 and 11 more transcripts); and 41 more; short protein forms S1374R, S1327R, S271R, S1262R, S1285R, S1304R, S1332R, S1347R.
Identifiers: ClinVar variation 440472 (VCV000440472.10), dbSNP rs1555586200, ClinGen allele CA10593481.

ClinVar aggregate classification (germline): Uncertain significance. Review status: criteria provided, multiple submitters, no conflicts (2 of 4 stars). 3 submissions from 3 submitters: Uncertain significance (3). Last evaluated 2025-08-04.

Conditions:
Hereditary breast ovarian cancer syndrome. Also called: Hereditary breast and ovarian cancer; Breast and ovarian cancer; Hereditary breast and ovarian cancer syndrome; Hereditary breast and/or ovarian cancer syndrome; BRCA1- and BRCA2-Associated Hereditary Breast and Ovarian Cancer; Hereditary breast and ovarian cancer syndrome (HBOC). Identifiers: Orphanet 145, MedGen C0677776, MeSH D061325, MONDO:0003582. Disease mechanism: loss of function.

Submissions (3):

Labcorp Genetics (formerly Invitae), Labcorp
Classification: Uncertain significance for Hereditary breast ovarian cancer syndrome. Last evaluated: 2025-08-04. Review status: criteria provided, single submitter. Criteria: Invitae Variant Classification Sherloc (09022015). Collection method: clinical testing. Allele origin: germline.
Comment: This sequence change replaces serine, which is neutral and polar, with arginine, which is basic and polar, at codon 1374 of the BRCA1 protein (p.Ser1374Arg). This variant is not present in population databases (gnomAD no frequency). This variant has not been reported in the literature in individuals affected with BRCA1-related conditions. ClinVar contains an entry for this variant (Variation ID: 440472). Invitae Evidence Modeling of protein sequence and biophysical properties (such as structural, functional, and spatial information, amino acid conservation, physicochemical variation, residue mobility, and thermodynamic stability) indicates that this missense variant is expected to disrupt BRCA1 protein function with a positive predictive value of 80%. In summary, the available evidence is currently insufficient to determine the role of this variant in disease. Therefore, it has been classified as a Variant of Uncertain Significance.

Women's Health and Genetics/Laboratory Corporation of America, LabCorp
Classification: Uncertain significance. Last evaluated: 2025-04-10. Review status: criteria provided, single submitter. Criteria: LabCorp Variant Classification Summary - May 2015. Collection method: clinical testing. Allele origin: germline.

Quest Diagnostics Nichols Institute San Juan Capistrano
Classification: Uncertain significance. Last evaluated: 2017-02-17. Review status: criteria provided, single submitter. Criteria: Quest Diagnostics criteria. Collection method: clinical testing. Allele origin: germline.